The following is an entry in ClinVar:

NM_001369.3(DNAH5):c.8999G>A (p.Arg3000Gln)

Gene: DNAH5 (dynein axonemal heavy chain 5; minus strand). Cytogenetic location: 5p15.2.
Variant type: single nucleotide variant.
Coding change: c.8999G>A on transcript NM_001369.3 (MANE Select); coding-DNA position 8999, G replaced by A.
Protein change: p.Arg3000Gln; replaces arginine 3000 with glutamine.
Molecular consequence: missense variant.
Genome position (GRCh38, 1-based): chr5:13,777,308, C>T on the plus strand (G>A on the coding strand, the complement: DNAH5 is on the minus strand). VCF-style: chr5-13777308-C-T. GRCh37 (hg19) VCF-style: chr5-13777417-C-T.
Other names: short protein forms R3000Q.
Identifiers: ClinVar variation 219734 (VCV000219734.30), dbSNP rs137949961, ClinGen allele CA348945.

ClinVar aggregate classification (germline): Conflicting classifications of pathogenicity. Review status: criteria provided, conflicting classifications (1 of 4 stars). 8 submissions from 8 submitters: Uncertain significance (5); Likely benign (1). 2 of the submissions do not count toward it. Last evaluated 2026-01-25.

Conditions:
Primary ciliary dyskinesia. Also called: Ciliary dyskinesia. Identifiers: Orphanet 244, MedGen C0008780, MONDO:0016575, HP:0012265.
Primary ciliary dyskinesia 3. Identifiers: Orphanet 244, MedGen C1837618, MONDO:0012085, OMIM 608644.

Allele frequency attached by ClinVar (database versions not stated): ESP Exome Variant Server 0.00008; gnomAD 0.00019 and 0.00021; gnomAD exomes 0.00021 and 0.00023; ExAC 0.00022; TOPMed 0.00023; 1000 Genomes Project 30x 0.00047; 1000 Genomes Project 0.00060.
gnomAD v4.1: 334 of 1,613,260 alleles (0.021%); highest among the groups gnomAD compares: Non-Finnish European, 0.024%; no homozygotes.

Submissions (8):

Labcorp Genetics (formerly Invitae), Labcorp
Classification: Likely benign for Primary ciliary dyskinesia. Last evaluated: 2026-01-25. Review status: criteria provided, single submitter. Criteria: Invitae Variant Classification Sherloc (09022015). Collection method: clinical testing. Allele origin: germline.

CeGaT Center for Human Genetics Tuebingen
Classification: Uncertain significance. Last evaluated: 2025-07-01. Review status: criteria provided, single submitter. Criteria: CeGaT Center For Human Genetics Tuebingen Variant Classification Criteria Version 2. Collection method: clinical testing. Allele origin: germline. Affected: yes. Observed: 1 variant allele.
Comment: DNAH5: PM2:Supporting, BP4

Ambry Genetics
Classification: Uncertain significance for Primary ciliary dyskinesia. Last evaluated: 2025-06-03. Review status: criteria provided, single submitter. Criteria: Ambry Variant Classification Scheme 2023. Collection method: clinical testing. Allele origin: germline.
Comment: The p.R3000Q variant (also known as c.8999G>A), located in coding exon 54 of the DNAH5 gene, results from a G to A substitution at nucleotide position 8999. The arginine at codon 3000 is replaced by glutamine, an amino acid with highly similar properties. This variant was identified in a cohort of individuals of primary ciliary dyskinesia; however, additional genotype and phenotype information was limited (Andjelkovic M et al. PLoS ONE, 2018 Oct;13:e0205422). This variant was also reported in a cohort of subjects with Bardet-Biedl syndrome (BBS) and thoraco-abdominal abnormalities and a male infertility cohort (Quarantani G et al. PLoS One, 2023 Aug;18:e0288336; Olson AJ et al. J Pediatr, 2019 Jan;204:31-37). This amino acid position is highly conserved in available vertebrate species. In addition, this alteration is predicted to be tolerated by in silico analysis. Based on available evidence to date, the clinical significance of this alteration remains unclear.

Blueprint Genetics
Classification: Uncertain significance. Last evaluated: 2024-09-18. Review status: criteria provided, single submitter. Criteria: ACMG Guidelines, 2015. Collection method: clinical testing. Allele origin: germline.

Genome-Nilou Lab
Classification: Uncertain significance for Primary ciliary dyskinesia 3. Last evaluated: 2021-07-14. Review status: criteria provided, single submitter. Criteria: ACMG Guidelines, 2015. Collection method: clinical testing. Allele origin: germline. Affected: no.

GeneDx
Classification: Uncertain significance. Last evaluated: 2019-04-24. Review status: criteria provided, single submitter. Criteria: GeneDx Variant Classification Process June 2021. Collection method: clinical testing. Allele origin: germline. Affected: yes.
Comment: Identified in an individual with primary ciliary dyskinesia, however, no second variant was identified (Andjelkovic et al., 2018); In silico analysis, which includes protein predictors and evolutionary conservation, supports a deleterious effect; This variant is associated with the following publications: (PMID: 30293640, 30300419)

Natera, Inc.
Classification: Uncertain significance for Primary ciliary dyskinesia. Last evaluated: 2020-09-16. Review status: no assertion criteria provided. Collection method: clinical testing. Allele origin: germline. Not counted in ClinVar's aggregate classification.

Counsyl
Classification: Uncertain significance for Primary ciliary dyskinesia 3. Last evaluated: 2017-12-13. Review status: no assertion criteria provided. Collection method: clinical testing. Allele origin: unknown. Not counted in ClinVar's aggregate classification.

Literature cited by the submitters: PubMed 30293640 (cited by Ambry Genetics); PubMed 30300419 (cited by Ambry Genetics); PubMed 37540677 (cited by Ambry Genetics).